The following is an entry in ClinVar:

NM_007268.3(VSIG4):c.570_586del (p.Ala191fs)

Genes: VSIG4 (V-set and immunoglobulin domain containing 4; minus strand), LOC126863268 (CDK7 strongly-dependent group 2 enhancer GRCh37_chrX:65252367-65253566; plus strand). Cytogenetic location: Xq12.
Variant type: Deletion.
Coding change: c.570_586del on transcript NM_007268.3 (MANE Select); coding-DNA positions 570 to 586, 17 bases deleted (AGCAACCCTAAGTACCT).
Protein change: p.Ala191fs; shifts the reading frame from alanine 191.
Molecular consequence: frameshift variant. On other transcripts: intron variant (2).
Genome position (GRCh38, 1-based): chrX:66,032,576-66,032,592, AGGTACTTAGGGTTGCT deleted on the plus strand (AGCAACCCTAAGTACCT on the coding strand, the reverse complement: VSIG4 is on the minus strand); deleting any 17 consecutive bases within chrX:66,032,576-66,032,593 gives the same sequence; the c. name uses the placement nearest the transcript's 3' end. VCF-style (leftmost placement, unchanged base first): chrX-66032575-AAGGTACTTAGGGTTGCT-A. GRCh37 (hg19) VCF-style: chrX-65252417-AAGGTACTTAGGGTTGCT-A.
Other names: c.570_586del, p.Ala191fs (NM_001184830.2, NM_001257403.2); c.412+882_412+898del (NM_001100431.2, NM_001184831.2); short protein forms A191fs.
Identifiers: ClinVar variation 4996562 (VCV004996562.1).

ClinVar aggregate classification (germline): Uncertain significance (1 of 4 stars; one submission).

Conditions:
VSIG4-related disorder. Also called: VSIG4-related condition.

Submission:

PreventionGenetics, part of Exact Sciences
Classification: Uncertain significance for VSIG4-related condition. Last evaluated: 2026-09-26. Review status: criteria provided, single submitter. Criteria: ACMG Guidelines, 2015. Collection method: clinical testing. Allele origin: germline.
Comment: The VSIG4 c.570_586del17 variant is predicted to result in a frameshift and premature protein termination (p.Ala191Thrfs*24). To our knowledge, this variant has not been reported in the literature or in a large population database (gnomAD), indicating this variant is rare. Of note, loss of function variants is not an established mechanism of disease. At this time, the clinical significance of this variant is uncertain due to the absence of conclusive functional and genetic evidence.